The following is an entry in ClinVar:

NM_001134407.3(GRIN2A):c.*2803A>G

Gene: GRIN2A (glutamate ionotropic receptor NMDA type subunit 2A; minus strand). Cytogenetic location: 16p13.2.
Variant type: single nucleotide variant.
Coding change: c.*2803A>G on transcript NM_001134407.3 (MANE Select); 2803 bases downstream of the stop codon, A replaced by G.
Molecular consequence: 3 prime UTR variant.
Genome position (GRCh38, 1-based): chr16:9,760,346, T>C on the plus strand (A>G on the coding strand, the complement: GRIN2A is on the minus strand). VCF-style: chr16-9760346-T-C. GRCh37 (hg19) VCF-style: chr16-9854203-T-C.
Other names: c.*2803A>G (NM_000833.5); c.*3009A>G (NM_001134408.2).
Identifiers: ClinVar variation 321560 (VCV000321560.5), dbSNP rs16966263, ClinGen allele CA10638761.

ClinVar aggregate classification (germline): Benign (1 of 4 stars; one submission).

Conditions:
Landau-Kleffner syndrome (FESD). Also called: EPILEPSY, FOCAL, WITH SPEECH DISORDER AND WITH OR WITHOUT MENTAL RETARDATION; APHASIA, ACQUIRED, WITH EPILEPSY. Identifiers: Orphanet 1945, Orphanet 725, Orphanet 98818, MedGen C0282512, MONDO:0009509, OMIM 245570.

Allele frequency attached by ClinVar (database versions not stated): 1000 Genomes Project 0.04932; gnomAD 0.04938 and 0.05252; gnomAD exomes 0.01339; 1000 Genomes Project 30x 0.05278; TOPMed 0.05522.
gnomAD v4.1: 7,792 of 197,038 alleles (4%); highest among the groups gnomAD compares: African/African-American, 14%; 419 homozygotes.

Submission:

Illumina Laboratory Services, Illumina
Classification: Benign for Landau-Kleffner syndrome. Last evaluated: 2018-01-12. Review status: criteria provided, single submitter. Criteria: ICSL Variant Classification Criteria 13 December 2019. Collection method: clinical testing. Allele origin: germline.
Comment: This variant was observed in the ICSL laboratory as part of a predisposition screen in an ostensibly healthy population. It had not been previously curated by ICSL or reported in the Human Gene Mutation Database (HGMD: prior to June 1st, 2018), and was therefore a candidate for classification through an automated scoring system. Utilizing variant allele frequency, disease prevalence and penetrance estimates, and inheritance mode, an automated score was calculated to assess if this variant is too frequent to cause the disease. Based on the score and internal cut-off values, a variant classified as benign is not then subjected to further curation. The score for this variant resulted in a classification of benign for this disease.